The following is an entry in ClinVar:

ClinVar aggregate classification (germline): Pathogenic (1 of 4 stars; one submission).

Conditions:
Deafness-lymphedema-leukemia syndrome. Also called: Emberger syndrome; Lymphedema, primary, with myelodysplasia. Identifiers: Orphanet 3226, MedGen C3279664, MONDO:0013540, OMIM 614038.
GATA2 deficiency with susceptibility to MDS/AML. Identifiers: MedGen CN300066, MONDO:0042982.

Submission:

Molecular Pathology Research Laboratory, SA Pathology
Classification: Pathogenic for GATA2 deficiency with susceptibility to MDS/AML; Deafness-lymphedema-leukemia syndrome. Last evaluated: 2021-07-06. Review status: criteria provided, single submitter. Criteria: ACMG Guidelines, 2015. Collection method: curation. Allele origin: unknown. Inheritance: Autosomal dominant inheritance. Affected: yes. Observed: 1 variant allele.
Comment: PVS1, PS4_Supporting, PM2

Literature cited by the submitters: PubMed 21892158.

NM_032638.5(GATA2):c.1021_1024del (p.Ala341fs)

Gene: GATA2 (GATA binding protein 2; minus strand). Cytogenetic location: 3q21.3.
Variant type: Deletion.
Coding change: c.1021_1024del on transcript NM_032638.5 (MANE Select); coding-DNA positions 1021 to 1024, 4 bases deleted (GCCG; older notation c.1021_1024delGCCG).
Protein change: p.Ala341fs; shifts the reading frame from alanine 341.
Molecular consequence: frameshift variant. On other transcripts: intron variant (1).
Genome position (GRCh38, 1-based): chr3:128,481,938-128,481,941, CGGC deleted on the plus strand (GCCG on the coding strand, the reverse complement: GATA2 is on the minus strand); deleting any 4 consecutive bases within chr3:128,481,938-128,481,943 gives the same sequence; the c. name uses the placement nearest the transcript's 3' end. VCF-style (leftmost placement, unchanged base first): chr3-128481937-GCGGC-G. GRCh37 (hg19) VCF-style: chr3-128200780-GCGGC-G.
Other names: c.1021_1024del, p.Ala341fs (NM_001145661.2); c.1018-39_1018-36del (NM_001145662.1); short protein forms A341fs.
Identifiers: ClinVar variation 1184187 (VCV001184187.1), dbSNP rs869320770, ClinGen allele CA2499216452.